The following is an entry in ClinVar:

ClinVar aggregate classification (germline): Uncertain significance (1 of 4 stars; one submission).

Conditions:
Brugada syndrome. Also called: Sudden unexpected nocturnal death syndrome; Sudden Unexplained Death Syndrome; Sudden Unexplained Nocturnal Death Syndrome (SUNDS); Sudden unexplained nocturnal death syndrome. Identifiers: Orphanet 130, MedGen C1142166, MONDO:0015263.

gnomAD v4.1: 2 of 1,613,714 alleles (0.00012%); highest among the groups gnomAD compares: Non-Finnish European, 0.000085%; no homozygotes.

Submission:

Labcorp Genetics (formerly Invitae), Labcorp
Classification: Uncertain significance for Brugada syndrome. Last evaluated: 2020-03-17. Review status: criteria provided, single submitter. Criteria: Invitae Variant Classification Sherloc (09022015). Collection method: clinical testing. Allele origin: germline.
Comment: This variant has not been reported in the literature in individuals with SCN10A-related conditions. This variant is not present in population databases (ExAC no frequency). This sequence change replaces glutamic acid with lysine at codon 625 of the SCN10A protein (p.Glu625Lys). The glutamic acid residue is highly conserved and there is a small physicochemical difference between glutamic acid and lysine. Algorithms developed to predict the effect of missense changes on protein structure and function are either unavailable or do not agree on the potential impact of this missense change (SIFT: "Tolerated"; PolyPhen-2: "Possibly Damaging"; Align-GVGD: "Class C0"). In summary, the available evidence is currently insufficient to determine the role of this variant in disease. Therefore, it has been classified as a Variant of Uncertain Significance.

NM_006514.4(SCN10A):c.1873G>A (p.Glu625Lys)

Gene: SCN10A (sodium voltage-gated channel alpha subunit 10; minus strand). Cytogenetic location: 3p22.2.
Variant type: single nucleotide variant.
Coding change: c.1873G>A on transcript NM_006514.4 (MANE Select); coding-DNA position 1873, G replaced by A.
Protein change: p.Glu625Lys; replaces glutamic acid 625 with lysine.
Molecular consequence: missense variant.
Genome position (GRCh38, 1-based): chr3:38,742,524, C>T on the plus strand (G>A on the coding strand, the complement: SCN10A is on the minus strand). VCF-style: chr3-38742524-C-T. GRCh37 (hg19) VCF-style: chr3-38784015-C-T.
Other names: c.1873G>A, p.Glu625Lys (NM_001293306.2); c.1579G>A, p.Glu527Lys (NM_001293307.2); short protein forms E527K, E625K.
Identifiers: ClinVar variation 1052311 (VCV001052311.5), dbSNP rs2126015263, ClinGen allele CA352166065.